The following is an entry in ClinVar:

NM_001375567.1(FOCAD):c.1499C>T (p.Pro500Leu)

Gene: FOCAD (focadhesin; plus strand). Cytogenetic location: 9p21.3.
Variant type: single nucleotide variant.
Coding change: c.1499C>T on transcript NM_001375567.1 (MANE Select); coding-DNA position 1499, C replaced by T.
Protein change: p.Pro500Leu; replaces proline 500 with leucine.
Molecular consequence: missense variant. On other transcripts: intron variant (1).
Genome position (GRCh38, 1-based): chr9:20,819,839, C>T. VCF-style: chr9-20819839-C-T. GRCh37 (hg19) VCF-style: chr9-20819838-C-T.
Other names: c.1394C>T, p.Pro465Leu (NM_001375570.1); c.1499C>T, p.Pro500Leu (NM_017794.5); c.1456-485C>T (NM_001375568.1); short protein forms P500L, P465L.
Identifiers: ClinVar variation 2397135 (VCV002397135.3), dbSNP rs750420463, ClinGen allele CA5006737.

ClinVar aggregate classification (germline): Uncertain significance. Review status: criteria provided, multiple submitters, no conflicts (2 of 4 stars). 2 submissions from 2 submitters: Uncertain significance (2). Last evaluated 2025-07-21.

Conditions:
Inborn genetic diseases. Identifiers: MedGen C0950123, MeSH D030342.

Allele frequency attached by ClinVar (database versions not stated): ExAC 0.00003.
gnomAD v4.1: 31 of 1,541,566 alleles (0.002%); highest among the groups gnomAD compares: Middle Eastern, 0.12%; no homozygotes.

Submissions (2):

Labcorp Genetics (formerly Invitae), Labcorp
Classification: Uncertain significance. Last evaluated: 2025-07-21. Review status: criteria provided, single submitter. Criteria: Invitae Variant Classification Sherloc (09022015). Collection method: clinical testing. Allele origin: germline.
Comment: This sequence change replaces proline, which is neutral and non-polar, with leucine, which is neutral and non-polar, at codon 500 of the FOCAD protein (p.Pro500Leu). This variant is present in population databases (rs750420463, gnomAD 0.02%). This variant has not been reported in the literature in individuals affected with FOCAD-related conditions. ClinVar contains an entry for this variant (Variation ID: 2397135). Experimental studies and prediction algorithms are not available or were not evaluated, and the functional significance of this variant is currently unknown. In summary, the available evidence is currently insufficient to determine the role of this variant in disease. Therefore, it has been classified as a Variant of Uncertain Significance.

Ambry Genetics
Classification: Uncertain significance for Inborn genetic diseases. Last evaluated: 2022-05-04. Review status: criteria provided, single submitter. Criteria: Ambry Variant Classification Scheme 2023. Collection method: clinical testing. Allele origin: germline.